The following is an entry in ClinVar:

NM_020533.3(MCOLN1):c.772G>A (p.Val258Ile)

Gene: MCOLN1 (mucolipin TRP cation channel 1; plus strand). Cytogenetic location: 19p13.2.
Variant type: single nucleotide variant.
Coding change: c.772G>A on transcript NM_020533.3 (MANE Select); coding-DNA position 772, G replaced by A.
Protein change: p.Val258Ile; replaces valine 258 with isoleucine.
Molecular consequence: missense variant.
Genome position (GRCh38, 1-based): chr19:7,527,955, G>A. VCF-style: chr19-7527955-G-A. GRCh37 (hg19) VCF-style: chr19-7592841-G-A.
Other names: short protein forms V258I.
Identifiers: ClinVar variation 894563 (VCV000894563.6), dbSNP rs369431026, ClinGen allele CA9138892.
Genomic context (GRCh38, chr19:7,527,955, plus strand): 5'-AAGACCATTAACCTCCAGAGCCTCATCAATAATGAGATCCCGGACTGCTATACCTTCAGC[G>A]TCCTGGTGAGGCCCCCCGGGAACCCACAGGGCTCCTGAGTTCCAGGGCAGGGACCTGGTC-3'
Protein context (NP_065394.1, residues 248-268): NEIPDCYTFS[Val258Ile]LITFDNKAHS

ClinVar aggregate classification (germline): Conflicting classifications of pathogenicity. Review status: criteria provided, conflicting classifications (1 of 4 stars). 3 submissions from 3 submitters: Uncertain significance (2); Likely benign (1). Last evaluated 2023-10-23.

Conditions:
Inborn genetic diseases. Identifiers: MedGen C0950123, MeSH D030342.
Mucolipidosis type IV (ML4). Also called: ML IV. Identifiers: Orphanet 578, MedGen C0238286, MONDO:0009653, OMIM 252650.

Allele frequency attached by ClinVar (database versions not stated): ExAC 0.00002; gnomAD 0.00003; gnomAD exomes 0.00003; TOPMed 0.00003; ESP Exome Variant Server 0.00008.
gnomAD v4.1: 43 of 1,613,530 alleles (0.0027%); highest among the groups gnomAD compares: Admixed American, 0.0033%; no homozygotes.

Submissions (3):

Ambry Genetics
Classification: Likely benign for Inborn genetic diseases. Last evaluated: 2023-10-23. Review status: criteria provided, single submitter. Criteria: Ambry Variant Classification Scheme 2023. Collection method: clinical testing. Allele origin: germline.

Labcorp Genetics (formerly Invitae), Labcorp
Classification: Uncertain significance for Mucolipidosis type IV. Last evaluated: 2022-07-08. Review status: criteria provided, single submitter. Criteria: Invitae Variant Classification Sherloc (09022015). Collection method: clinical testing. Allele origin: germline.
Comment: This sequence change replaces valine, which is neutral and non-polar, with isoleucine, which is neutral and non-polar, at codon 258 of the MCOLN1 protein (p.Val258Ile). This variant is present in population databases (rs369431026, gnomAD 0.006%). This variant has not been reported in the literature in individuals affected with MCOLN1-related conditions. ClinVar contains an entry for this variant (Variation ID: 894563). Algorithms developed to predict the effect of missense changes on protein structure and function output the following: SIFT: "Tolerated"; PolyPhen-2: "Benign"; Align-GVGD: "Class C0". The isoleucine amino acid residue is found in multiple mammalian species, which suggests that this missense change does not adversely affect protein function. In summary, the available evidence is currently insufficient to determine the role of this variant in disease. Therefore, it has been classified as a Variant of Uncertain Significance.

Illumina Laboratory Services, Illumina
Classification: Uncertain significance for Mucolipidosis type IV. Last evaluated: 2018-01-19. Review status: criteria provided, single submitter. Criteria: ICSL Variant Classification Criteria 13 December 2019. Collection method: clinical testing. Allele origin: germline.